The following is an entry in ClinVar:

ClinVar aggregate classification (germline): Benign (0 of 4 stars; one submission).

Conditions:
PDXDC1-related disorder. Also called: PDXDC1-related condition.

Allele frequency attached by ClinVar (database versions not stated): ESP Exome Variant Server 0.27520; gnomAD 0.30459; TOPMed 0.31127; gnomAD exomes 0.31436; ExAC 0.34123; 1000 Genomes Project 30x 0.34182; 1000 Genomes Project 0.34505.
gnomAD v4.1: 506,154 of 1,613,730 alleles (31%); highest among the groups gnomAD compares: Admixed American, 51%; 82,550 homozygotes.

Submission:

PreventionGenetics, part of Exact Sciences
Classification: Benign for PDXDC1-related condition. Last evaluated: 2019-10-17. Review status: no assertion criteria provided. Collection method: clinical testing. Allele origin: germline.
Comment: This variant is classified as benign based on ACMG/AMP sequence variant interpretation guidelines (Richards et al. 2015 PMID: 25741868, with internal and published modifications).

NM_015027.4(PDXDC1):c.2205A>G (p.Leu735=)

Gene: PDXDC1 (pyridoxal dependent decarboxylase domain containing 1). Cytogenetic location: 16p13.11.
Variant type: single nucleotide variant.
Coding change: c.2205A>G on transcript NM_015027.4 (MANE Select); coding-DNA position 2205, A replaced by G.
Protein change: p.Leu735=; no amino-acid change (leucine 735 retained).
Molecular consequence: synonymous variant. On other transcripts: intron variant (3).
Genome position (GRCh38, 1-based): chr16:15,036,113, A>G. VCF-style: chr16-15036113-A-G. GRCh37 (hg19) VCF-style: chr16-15129970-A-G.
Other names: c.2124A>G, p.Leu708= (NM_001285444.2); c.2121A>G, p.Leu707= (NM_001285445.2); c.2160A>G, p.Leu720= (NM_001285447.1); c.1932A>G, p.Leu644= (NM_001285448.1); c.2202A>G, p.Leu734= (NM_001324019.2); c.1399+6057A>G (NM_001285449.2); c.1318+6057A>G (NM_001324021.2); c.1396+6057A>G (NM_001324020.2).
Identifiers: ClinVar variation 3059969 (VCV003059969.2), dbSNP rs7200543, ClinGen allele CA7915656.